The following is an entry in ClinVar:

NM_002907.4(RECQL):c.1853A>C (p.Lys618Thr)

Genes: PYROXD1 (pyridine nucleotide-disulphide oxidoreductase domain 1; plus strand), RECQL (RecQ like helicase; minus strand). Cytogenetic location: 12p12.1.
Variant type: single nucleotide variant.
Coding change: c.1853A>C on transcript NM_002907.4 (MANE Select); coding-DNA position 1853, A replaced by C.
Protein change: p.Lys618Thr; replaces lysine 618 with threonine.
Molecular consequence: missense variant. On other transcripts: 3 prime UTR variant (3).
Genome position (GRCh38, 1-based): chr12:21,470,291, T>G on the plus strand (A>C on the coding strand, the complement: RECQL is on the minus strand). VCF-style: chr12-21470291-T-G. GRCh37 (hg19) VCF-style: chr12-21623225-T-G.
Other names: c.1853A>C, p.Lys618Thr (NM_032941.3); c.*1537T>G (NM_001350912.2, NM_001350913.2, NM_024854.5); short protein forms K618T.
Identifiers: ClinVar variation 4824332 (VCV004824332.1).

ClinVar aggregate classification (germline): Uncertain significance (1 of 4 stars; one submission).

gnomAD v4.1: 1 of 1,609,012 alleles (0.000062%); highest among the groups gnomAD compares: Non-Finnish European, 0.000085%; no homozygotes.

Submission:

Ambry Genetics
Classification: Uncertain significance. Last evaluated: 2026-02-14. Review status: criteria provided, single submitter. Criteria: Ambry Variant Classification Scheme 2023. Collection method: clinical testing. Allele origin: germline.
Comment: The p.K618T variant (also known as c.1853A>C), located in coding exon 14 of the RECQL gene, results from an A to C substitution at nucleotide position 1853. The lysine at codon 618 is replaced by threonine, an amino acid with similar properties. This amino acid position is conserved. In addition, this alteration is predicted to be tolerated by in silico analysis. Based on the available evidence, the clinical significance of this variant remains unclear.